The following is an entry in ClinVar:

NM_000211.5(ITGB2):c.242C>G (p.Pro81Arg)

Gene: ITGB2 (integrin subunit beta 2; minus strand). Cytogenetic location: 21q22.3.
Variant type: single nucleotide variant.
Coding change: c.242C>G on transcript NM_000211.5 (MANE Select); coding-DNA position 242, C replaced by G.
Protein change: p.Pro81Arg; replaces proline 81 with arginine.
Molecular consequence: missense variant.
Genome position (GRCh38, 1-based): chr21:44,907,001, G>C on the plus strand (C>G on the coding strand, the complement: ITGB2 is on the minus strand). VCF-style: chr21-44907001-G-C. GRCh37 (hg19) VCF-style: chr21-46326916-G-C.
Other names: c.242C>G, p.Pro81Arg (NM_001127491.3); c.35C>G, p.Pro12Arg (NM_001303238.2); short protein forms P12R, P81R.
Identifiers: ClinVar variation 1479640 (VCV001479640.6), dbSNP rs2146538855, ClinGen allele CA410479661.

ClinVar aggregate classification (germline): Uncertain significance (1 of 4 stars; one submission).

Conditions:
Leukocyte adhesion deficiency 1 (LAD1). Also called: LEUKOCYTE ADHESION DEFICIENCY, TYPE I; LAD 1; Lymphocyte function-associated antigen 1 immunodeficiency; LFA 1 immunodeficiency. Identifiers: Orphanet 2968, Orphanet 99842, MedGen C0398738, MONDO:0007293, OMIM 116920.

Allele frequency attached by ClinVar (database versions not stated): gnomAD exomes 0.00001.
gnomAD v4.1: 5 of 1,614,212 alleles (0.00031%); highest among the groups gnomAD compares: Non-Finnish European, 0.00042%; no homozygotes.

Submission:

Labcorp Genetics (formerly Invitae), Labcorp
Classification: Uncertain significance for Leukocyte adhesion deficiency 1. Last evaluated: 2021-10-14. Review status: criteria provided, single submitter. Criteria: Invitae Variant Classification Sherloc (09022015). Collection method: clinical testing. Allele origin: germline.
Comment: This variant has not been reported in the literature in individuals affected with ITGB2-related conditions. This variant is not present in population databases (ExAC no frequency). In summary, the available evidence is currently insufficient to determine the role of this variant in disease. Therefore, it has been classified as a Variant of Uncertain Significance. This sequence change replaces proline with arginine at codon 81 of the ITGB2 protein (p.Pro81Arg). The proline residue is highly conserved and there is a moderate physicochemical difference between proline and arginine. Algorithms developed to predict the effect of missense changes on protein structure and function (SIFT, PolyPhen-2, Align-GVGD) all suggest that this variant is likely to be disruptive.